The following is an entry in ClinVar:

ClinVar aggregate classification (germline): Pathogenic/Likely pathogenic. Review status: criteria provided, multiple submitters, no conflicts (2 of 4 stars). 7 submissions from 7 submitters: Pathogenic (1); Likely pathogenic (5). 1 of the submissions does not count toward it. Last evaluated 2025-02-25.

Conditions:
Wilson disease (WND). Also called: Wilson's disease. Identifiers: Orphanet 905, MedGen C0019202, MONDO:0010200, OMIM 277900. Disease mechanism: loss of function.

Submissions (7):

Natera, Inc.
Classification: Pathogenic for Wilson disease. Last evaluated: 2025-02-25. Review status: criteria provided, single submitter. Criteria: Natera Variant Classification Schema (03/2026). Collection method: clinical testing. Allele origin: germline.
Comment: The c.2129G>C variant in ATP7B is a missense variant predicted to cause substitution of glycine to alanine at amino acid 710. This variant is rare in the general population with a frequency below the threshold expected for the associated phenotype(s). This variant has been observed in one or more individuals affected with the associated recessive disease, as either homozygous or compound heterozygous with a second variant (PMID: 30230192, 31169307, 30232804, 9887381). Additionally, this variant has been observed to segregate in affected family members (PMID: 31169307). A different variant at the same position has been determined to be Pathogenic or Likely Pathogenic. Computational prediction algorithms indicate this variant is likely to affect gene or protein function. Given the available evidence, this variant is classified as Pathogenic.

Fulgent Genetics
Classification: Likely pathogenic for Wilson disease. Last evaluated: 2023-12-26. Review status: criteria provided, single submitter. Criteria: ACMG Guidelines, 2015. Collection method: clinical testing. Allele origin: germline.

All of Us Research Program, National Institutes of Health
Classification: Likely pathogenic for Wilson disease. Last evaluated: 2023-08-15. Review status: criteria provided, single submitter. Criteria: ACMG Guidelines, 2015. Collection method: clinical testing. Allele origin: germline. Inheritance: Autosomal recessive inheritance. Observed: 2 variant alleles, 2 heterozygotes.
Comment: This missense variant replaces glycine with alanine at codon 710 of the ATP7B protein. Computational prediction suggests that this variant may have deleterious impact on protein structure and function (internally defined REVEL score threshold >= 0.7, PMID: 27666373). To our knowledge, functional studies have not been reported for this variant. This variant has been reported in the homozygous state in an individual affected with Wilson disease (PMID: 19596473). This variant has not been identified in the general population by the Genome Aggregation Database (gnomAD). A different variant affecting the same codon, p.Gly710Ser, is considered to be disease-causing (ClinVar variation ID: 156281), suggesting that Gly at this position is important for the protein function. Based on the available evidence, this variant is classified as Likely Pathogenic.

This study involves interpretation of variants in research participants for the purpose of population health screening. Participant phenotype was not available at the time of variant classification. Additional details can be found in publication PMID: 35346344, PMCID: PMC8962531

Baylor Genetics
Classification: Likely pathogenic for Wilson disease. Last evaluated: 2023-04-04. Review status: criteria provided, single submitter. Criteria: ACMG Guidelines, 2015. Collection method: clinical testing. Allele origin: unknown.

Genome-Nilou Lab
Classification: Likely pathogenic for Wilson disease. Last evaluated: 2021-08-10. Review status: criteria provided, single submitter. Criteria: ACMG Guidelines, 2015. Collection method: clinical testing. Allele origin: germline. Affected: no.

Labcorp Genetics (formerly Invitae), Labcorp
Classification: Likely pathogenic for Wilson disease. Last evaluated: 2018-12-07. Review status: criteria provided, single submitter. Criteria: Invitae Variant Classification Sherloc (09022015). Collection method: clinical testing. Allele origin: germline.
Comment: This sequence change replaces glycine with alanine at codon 710 of the ATP7B protein (p.Gly710Ala). The glycine residue is highly conserved and there is a small physicochemical difference between glycine and alanine. This variant is not present in population databases (ExAC no frequency). This variant has been observed to be homozygous in individuals affected with hepatic Wilson disease (PMID: 9887381,Â¬â€ 19596473). ClinVar contains an entry for this variant (Variation ID: 551497). Algorithms developed to predict the effect of missense changes on protein structure and function are either unavailable or do not agree on the potential impact of this missense change (SIFT: "Tolerated"; PolyPhen-2: "Probably Damaging"; Align-GVGD: "Class C0"). This variant disrupts the p.Gly710 amino acid residue in ATP7B. Other variant(s) that disrupt this residue have been observed in individuals with ATP7B-related conditions (PMID:Â¬â€ 27398169, 8938442, 16233999, 16133174, 10544227, 17433323, 15967699), suggesting that it is a clinically significant residue. As a result, variants that disrupt this residue are likely to be causative of disease. In summary, the currently available evidence indicates that the variant is pathogenic, but additional data are needed to prove that conclusively. Therefore, this variant has been classified as Likely Pathogenic.

Counsyl
Classification: Uncertain significance for Wilson disease. Last evaluated: 2017-04-14. Review status: no assertion criteria provided. Collection method: clinical testing. Allele origin: unknown. Not counted in ClinVar's aggregate classification.

Literature cited by the submitters: PubMed 30230192 (cited by Natera, Inc.); PubMed 31169307 (cited by Natera, Inc.); PubMed 30232804 (cited by Natera, Inc.); PubMed 9887381 (cited by 3 submitters); PubMed 19596473 (cited by All of Us Research Program, National Institutes of Health and Counsyl).

NM_000053.4(ATP7B):c.2129G>C (p.Gly710Ala)

Gene: ATP7B (ATPase copper transporting beta; minus strand). Cytogenetic location: 13q14.3.
Variant type: single nucleotide variant.
Coding change: c.2129G>C on transcript NM_000053.4 (MANE Select); coding-DNA position 2129, G replaced by C.
Protein change: p.Gly710Ala; replaces glycine 710 with alanine.
Molecular consequence: missense variant. On other transcripts: intron variant (2).
Genome position (GRCh38, 1-based): chr13:51,958,537, C>G on the plus strand (G>C on the coding strand, the complement: ATP7B is on the minus strand). VCF-style: chr13-51958537-C-G. GRCh37 (hg19) VCF-style: chr13-52532673-C-G.
Other names: c.1796G>C, p.Gly599Ala (NM_001243182.2); c.1877G>C, p.Gly626Ala (NM_001330579.2); c.1870-930G>C (NM_001005918.3); c.2122-930G>C (NM_001330578.2); short protein forms G710A, G626A, G599A.
Identifiers: ClinVar variation 551497 (VCV000551497.11), dbSNP rs1555291285, ClinGen allele CA388023486.